The following is an entry in ClinVar:

ClinVar aggregate classification (germline): Pathogenic (1 of 4 stars; one submission).

Conditions:
Familial cancer of breast. Also called: hereditary breast carcinoma; BREAST CANCER, FAMILIAL; Hereditary breast cancer. Identifiers: Orphanet 227535, MedGen C0346153, MONDO:0016419, OMIM 114480. Disease mechanism: loss of function.
Fanconi anemia complementation group J. Also called: BRIP1-Related Fanconi Anemia. Identifiers: Orphanet 84, MedGen C1836860, MONDO:0012187, OMIM 609054.

Submission:

Labcorp Genetics (formerly Invitae), Labcorp
Classification: Pathogenic for Familial cancer of breast; Fanconi anemia complementation group J. Last evaluated: 2021-09-26. Review status: criteria provided, single submitter. Criteria: Invitae Variant Classification Sherloc (09022015). Collection method: clinical testing. Allele origin: germline.
Comment: For these reasons, this variant has been classified as Pathogenic. This variant has not been reported in the literature in individuals affected with BRIP1-related conditions. This variant is not present in population databases (ExAC no frequency). This sequence change creates a premature translational stop signal (p.Asn659Glufs*10) in the BRIP1 gene. It is expected to result in an absent or disrupted protein product. Loss-of-function variants in BRIP1 are known to be pathogenic (PMID: 16116423, 17033622, 21964575).

Literature cited by the submitters: PubMed 16116423; PubMed 17033622; PubMed 21964575.

NM_032043.3(BRIP1):c.1974dup (p.Asn659fs)

Gene: BRIP1 (BRCA1 interacting DNA helicase 1; minus strand). Cytogenetic location: 17q23.2.
Variant type: Duplication.
Coding change: c.1974dup on transcript NM_032043.3 (MANE Select); coding-DNA position 1974, one base duplicated (G; older notation c.1974dupG).
Protein change: p.Asn659fs; shifts the reading frame from asparagine 659.
Molecular consequence: frameshift variant.
Genome position (GRCh38, 1-based): chr17:61,776,524, C duplicated on the plus strand (G on the coding strand, the reverse complement: BRIP1 is on the minus strand); the first of 2 consecutive C bases (chr17:61,776,524-61,776,525); duplicating either gives the same sequence. VCF-style (leftmost placement, unchanged base first): chr17-61776523-T-TC. GRCh37 (hg19) VCF-style: chr17-59853884-T-TC.
Other names: short protein forms N659fs.
Identifiers: ClinVar variation 1458901 (VCV001458901.7), dbSNP rs2145032405, ClinGen allele CA2573154303.
Genomic context (GRCh38, chr17:61,776,523, plus strand): 5'-GTGCTCCCACTTCATCTTGGAACTCAAATGTTTCAGTATTCTGGAAGGTAGCACAGAGAT[T>TC]CCGACCCTTGGGGCCTGACCCAATGGTACCAACCCAAACCTAGAATATGAATATGTCATT-3'